The following is an entry in ClinVar:

ClinVar aggregate classification (germline): Uncertain significance. Review status: criteria provided, multiple submitters, no conflicts (2 of 4 stars). 2 submissions from 2 submitters: Uncertain significance (2). Last evaluated 2025-08-25.

Conditions:
Hereditary cancer-predisposing syndrome. Also called: Neoplastic Syndromes, Hereditary; Hereditary Cancer Syndrome; Tumor predisposition; Hereditary neoplastic syndrome. Identifiers: Orphanet 140162, MedGen C0027672, MeSH D009386, MONDO:0015356.
Bloom syndrome (BLM). Also called: Bloom-Torre-Machacek syndrome. Identifiers: Orphanet 125, MedGen C0005859, MONDO:0008876, OMIM 210900.

Allele frequency attached by ClinVar (database versions not stated): gnomAD exomes below 0.00001; TOPMed below 0.00001.
gnomAD v4.1: 2 of 1,613,990 alleles (0.00012%); highest among the groups gnomAD compares: Non-Finnish European, 0.00017%; no homozygotes.

Submissions (2):

Labcorp Genetics (formerly Invitae), Labcorp
Classification: Uncertain significance for Bloom syndrome. Last evaluated: 2025-08-25. Review status: criteria provided, single submitter. Criteria: Invitae Variant Classification Sherloc (09022015). Collection method: clinical testing. Allele origin: germline.
Comment: This sequence change replaces threonine, which is neutral and polar, with serine, which is neutral and polar, at codon 260 of the BLM protein (p.Thr260Ser). This variant is not present in population databases (gnomAD no frequency). This variant has not been reported in the literature in individuals affected with BLM-related conditions. ClinVar contains an entry for this variant (Variation ID: 2153737). An algorithm developed to predict the effect of missense changes on protein structure and function (PolyPhen-2) suggests that this variant is likely to be tolerated. In summary, the available evidence is currently insufficient to determine the role of this variant in disease. Therefore, it has been classified as a Variant of Uncertain Significance.

Ambry Genetics
Classification: Uncertain significance for Hereditary cancer-predisposing syndrome. Last evaluated: 2023-04-18. Review status: criteria provided, single submitter. Criteria: Ambry Variant Classification Scheme 2023. Collection method: clinical testing. Allele origin: germline.
Comment: The p.T260S variant (also known as c.778A>T), located in coding exon 2 of the BLM gene, results from an A to T substitution at nucleotide position 778. The threonine at codon 260 is replaced by serine, an amino acid with similar properties. This amino acid position is conserved. In addition, this alteration is predicted to be tolerated by in silico analysis. Since supporting evidence is limited at this time, the clinical significance of this alteration remains unclear.

NM_000057.4(BLM):c.778A>T (p.Thr260Ser)

Gene: BLM (BLM RecQ like helicase; plus strand). Cytogenetic location: 15q26.1.
Variant type: single nucleotide variant.
Coding change: c.778A>T on transcript NM_000057.4 (MANE Select); coding-DNA position 778, A replaced by T.
Protein change: p.Thr260Ser; replaces threonine 260 with serine.
Molecular consequence: missense variant. On other transcripts: 5 prime UTR variant (1).
Genome position (GRCh38, 1-based): chr15:90,750,046, A>T. VCF-style: chr15-90750046-A-T. GRCh37 (hg19) VCF-style: chr15-91293276-A-T.
Other names: c.778A>T, p.Thr260Ser (NM_001287246.2, NM_001287247.2); c.-514A>T (NM_001287248.2); short protein forms T260S.
Identifiers: ClinVar variation 2153737 (VCV002153737.6), dbSNP rs1895640054, ClinGen allele CA393841543.